The following is an entry in ClinVar:

NM_199420.4(POLQ):c.353G>A (p.Ser118Asn)

Gene: POLQ (DNA polymerase theta; minus strand). Cytogenetic location: 3q13.33.
Variant type: single nucleotide variant.
Coding change: c.353G>A on transcript NM_199420.4 (MANE Select); coding-DNA position 353, G replaced by A.
Protein change: p.Ser118Asn; replaces serine 118 with asparagine.
Molecular consequence: missense variant.
Genome position (GRCh38, 1-based): chr3:121,541,470, C>T on the plus strand (G>A on the coding strand, the complement: POLQ is on the minus strand). VCF-style: chr3-121541470-C-T. GRCh37 (hg19) VCF-style: chr3-121260317-C-T.
Other names: short protein forms S118N.
Identifiers: ClinVar variation 3229945 (VCV003229945.1), dbSNP rs2048489423, ClinGen allele CA354093518.

ClinVar aggregate classification (germline): Uncertain significance (1 of 4 stars; one submission).

Submission:

Ambry Genetics
Classification: Uncertain significance. Last evaluated: 2024-01-15. Review status: criteria provided, single submitter. Criteria: Ambry Variant Classification Scheme 2023. Collection method: clinical testing. Allele origin: germline.
Comment: The p.S118N variant (also known as c.353G>A), located in coding exon 3 of the POLQ gene, results from a G to A substitution at nucleotide position 353. The serine at codon 118 is replaced by asparagine, an amino acid with highly similar properties. This amino acid position is conserved. In addition, the in silico prediction for this alteration is inconclusive. Since supporting evidence is limited at this time, the clinical significance of this alteration remains unclear.